The following is an entry in ClinVar:

NM_001084.5(PLOD3):c.1036dup (p.Ser346fs)

Gene: PLOD3 (procollagen-lysine,2-oxoglutarate 5-dioxygenase 3; minus strand). Cytogenetic location: 7q22.1.
Variant type: Duplication.
Coding change: c.1036dup on transcript NM_001084.5 (MANE Select); coding-DNA position 1036, one base duplicated (T; older notation c.1036dupT).
Protein change: p.Ser346fs; shifts the reading frame from serine 346.
Molecular consequence: frameshift variant.
Genome position (GRCh38, 1-based): chr7:101,212,344, A duplicated on the plus strand (T on the coding strand, the reverse complement: PLOD3 is on the minus strand). VCF-style (leftmost placement, unchanged base first): chr7-101212343-G-GA. GRCh37 (hg19) VCF-style: chr7-100855624-G-GA.
Other names: short protein forms S346fs.
Identifiers: ClinVar variation 3694254 (VCV003694254.2).

ClinVar aggregate classification (germline): Pathogenic (1 of 4 stars; one submission).

Submission:

Labcorp Genetics (formerly Invitae), Labcorp
Classification: Pathogenic. Last evaluated: 2025-01-15. Review status: criteria provided, single submitter. Criteria: Invitae Variant Classification Sherloc (09022015). Collection method: clinical testing. Allele origin: germline.
Comment: This sequence change creates a premature translational stop signal (p.Ser346Phefs*41) in the PLOD3 gene. It is expected to result in an absent or disrupted protein product. Loss-of-function variants in PLOD3 are known to be pathogenic (PMID: 30237576). This variant is present in population databases (no rsID available, gnomAD 0.01%). This variant has not been reported in the literature in individuals affected with PLOD3-related conditions. For these reasons, this variant has been classified as Pathogenic.

Literature cited by the submitters: PubMed 30237576.